The following is an entry in ClinVar:

ClinVar aggregate classification (germline): Likely benign. Review status: criteria provided, multiple submitters, no conflicts (2 of 4 stars). 3 submissions from 3 submitters: Likely benign (2). 1 of the submissions does not count toward it. Last evaluated 2025-09-04.

Conditions:
GANAB-related disorder. Also called: GANAB-related condition.

Allele frequency attached by ClinVar (database versions not stated): gnomAD exomes 0.00004; gnomAD 0.00005; TOPMed 0.00008; ExAC 0.00011.
gnomAD v4.1: 63 of 1,611,414 alleles (0.0039%); highest among the groups gnomAD compares: Admixed American, 0.1%; no homozygotes.

Submissions (3):

Labcorp Genetics (formerly Invitae), Labcorp
Classification: Likely benign. Last evaluated: 2025-09-04. Review status: criteria provided, single submitter. Criteria: Invitae Variant Classification Sherloc (09022015). Collection method: clinical testing. Allele origin: germline.

GeneDx
Classification: Likely benign. Last evaluated: 2022-08-31. Review status: criteria provided, single submitter. Criteria: GeneDx Variant Classification Process June 2021. Collection method: clinical testing. Allele origin: germline. Affected: yes.
Comment: See Variant Classification Assertion Criteria.

PreventionGenetics, part of Exact Sciences
Classification: Likely benign for GANAB-related condition. Last evaluated: 2020-08-27. Review status: no assertion criteria provided. Collection method: clinical testing. Allele origin: germline. Not counted in ClinVar's aggregate classification.
Comment: This variant is classified as likely benign based on ACMG/AMP sequence variant interpretation guidelines (Richards et al. 2015 PMID: 25741868, with internal and published modifications).

NM_198334.3(GANAB):c.560+465C>T

Gene: GANAB (glucosidase II alpha subunit; minus strand). Cytogenetic location: 11q12.3.
Variant type: single nucleotide variant.
Coding change: c.560+465C>T on transcript NM_198334.3 (MANE Select); 465 bases into the intron after coding-DNA position 560, C replaced by T.
Molecular consequence: intron variant. On other transcripts: missense variant (2).
Genome position (GRCh38, 1-based): chr11:62,634,356, G>A on the plus strand (C>T on the coding strand, the complement: GANAB is on the minus strand). VCF-style: chr11-62634356-G-A. GRCh37 (hg19) VCF-style: chr11-62401828-G-A.
Other names: c.238C>T, p.Leu80Phe (NM_001278192.2); c.580C>T, p.Leu194Phe (NM_198335.4); c.218+465C>T (NM_001278193.2); c.269+465C>T (NM_001329223.2, NM_001278194.2, NM_001329222.2); c.-217+465C>T (NM_001329225.2, NM_001329224.2); short protein forms L194F, L80F.
Identifiers: ClinVar variation 1704114 (VCV001704114.8), dbSNP rs770649060, ClinGen allele CA6051045.